The following is an entry in ClinVar:

ClinVar aggregate classification (germline): Benign. Review status: criteria provided, multiple submitters, no conflicts (2 of 4 stars). 2 submissions from 2 submitters: Benign (2). Last evaluated 2018-01-13.

Conditions:
Pulmonary hypertension, primary, 1 (PPH1). Also called: Pulmonary hypertension, familial primary, 1, with or without HHT. Identifiers: Orphanet 422, MedGen C4552070, MONDO:0024533, OMIM 178600.

Allele frequency attached by ClinVar (database versions not stated): 1000 Genomes Project 30x 0.00344; TOPMed 0.00535; gnomAD 0.00544 and 0.00577; gnomAD exomes 0.00861; 1000 Genomes Project 0.00399.
gnomAD v4.1: 11,291 of 1,371,068 alleles (0.82%); highest among the groups gnomAD compares: South Asian, 1.4%; 72 homozygotes.

Submissions (2):

Illumina Laboratory Services, Illumina
Classification: Benign for Pulmonary hypertension, primary, 1. Last evaluated: 2018-01-13. Review status: criteria provided, single submitter. Criteria: ICSL Variant Classification Criteria 13 December 2019. Collection method: clinical testing. Allele origin: germline.
Comment: This variant was observed in the ICSL laboratory as part of a predisposition screen in an ostensibly healthy population. It had not been previously curated by ICSL or reported in the Human Gene Mutation Database (HGMD: prior to June 1st, 2018), and was therefore a candidate for classification through an automated scoring system. Utilizing variant allele frequency, disease prevalence and penetrance estimates, and inheritance mode, an automated score was calculated to assess if this variant is too frequent to cause the disease. Based on the score and internal cut-off values, a variant classified as benign is not then subjected to further curation. The score for this variant resulted in a classification of benign for this disease.

Breakthrough Genomics
Classification: Benign. Review status: criteria provided, single submitter. Criteria: ACMG Guidelines, 2015. Collection method: not provided. Allele origin: germline. Inheritance: Autosomal dominant inheritance. Affected: yes.

NM_001204.7(BMPR2):c.*106C>T

Gene: BMPR2 (bone morphogenetic protein receptor type 2; plus strand). Cytogenetic location: 2q33.2.
Variant type: single nucleotide variant.
Coding change: c.*106C>T on transcript NM_001204.7 (MANE Select); 106 bases downstream of the stop codon, C replaced by T.
Molecular consequence: 3 prime UTR variant.
Genome position (GRCh38, 1-based): chr2:202,560,052, C>T. VCF-style: chr2-202560052-C-T. GRCh37 (hg19) VCF-style: chr2-203424775-C-T.
Other names: c.*106C>T (LRG_712t1).
Identifiers: ClinVar variation 333655 (VCV000333655.6), dbSNP rs45502895, ClinGen allele CA10613597.